The following is an entry in ClinVar:

ClinVar aggregate classification (germline): Pathogenic (1 of 4 stars; one submission).

Conditions:
Duchenne muscular dystrophy (DMD). Also called: MUSCULAR DYSTROPHY, PSEUDOHYPERTROPHIC PROGRESSIVE, DUCHENNE TYPE; Duchenne Muscular Dystrophy (DMD). Identifiers: Orphanet 98896, MedGen C0013264, MONDO:0010679, OMIM 310200.

Submission:

Labcorp Genetics (formerly Invitae), Labcorp
Classification: Pathogenic for Duchenne muscular dystrophy. Last evaluated: 2023-03-20. Review status: criteria provided, single submitter. Criteria: Invitae Variant Classification Sherloc (09022015). Collection method: clinical testing. Allele origin: unknown.
Comment: For these reasons, this variant has been classified as Pathogenic. This variant disrupts a region of the DMD protein in which other variant(s) (p.Ala437Gly) have been determined to be pathogenic (PMID: 16770791, 19937601, 32559196). This suggests that this is a clinically significant region of the protein, and that variants that disrupt it are likely to be disease-causing. A similar copy number variant has been observed in individual(s) with Becker muscular dystrophy (PMID: 24996370). This variant is a gross deletion of the genomic region encompassing exon(s) 11-12 of the DMD gene. This variant would be expected to be in-frame, preserving the integrity of the reading frame.

Literature cited by the submitters: PubMed 16770791; PubMed 19937601; PubMed 32559196; PubMed 24996370.

NC_000023.10:g.(?_32632400)_(32662450_?)del

Gene: DMD (dystrophin; minus strand). Cytogenetic location: Xp21.1.
Variant type: Deletion.
Identifiers: ClinVar variation 3243932 (VCV003243932.1).